The following is an entry in ClinVar:

NM_001243177.4(ALDOA):c.515G>A (p.Gly172Glu)

Genes: ALDOA (aldolase, fructose-bisphosphate A; plus strand), LOC112694756 (uncharaterized LOC112694756; plus strand). Cytogenetic location: 16p11.2.
Variant type: single nucleotide variant.
Coding change: c.515G>A on transcript NM_001243177.4 (MANE Select); coding-DNA position 515, G replaced by A.
Protein change: p.Gly172Glu; replaces glycine 172 with glutamic acid.
Molecular consequence: missense variant. On other transcripts: 3 prime UTR variant (3).
Genome position (GRCh38, 1-based): chr16:30,068,674, G>A. VCF-style: chr16-30068674-G-A. GRCh37 (hg19) VCF-style: chr16-30079995-G-A.
Other names: c.*862G>A (NM_001365304.2, NM_001365305.2, NM_001365307.2); c.353G>A, p.Gly118Glu (NM_001127617.2, NM_184041.5, NM_184043.2); short protein forms G172E, G118E.
Identifiers: ClinVar variation 2071990 (VCV002071990.4), dbSNP rs753336912, ClinGen allele CA8000962.

ClinVar aggregate classification (germline): Uncertain significance (1 of 4 stars; one submission).

Conditions:
HNSHA due to aldolase A deficiency (GSD12). Also called: GLYCOGEN STORAGE DISEASE XII; GSD XII; RED CELL ALDOLASE DEFICIENCY; Glycogen storage disease due to aldolase A deficiency. Identifiers: Orphanet 57, MedGen C0272066, MONDO:0012747, OMIM 611881.

Allele frequency attached by ClinVar (database versions not stated): gnomAD exomes 0.00002; ExAC 0.00001; gnomAD 0.00001; TOPMed 0.00001.
gnomAD v4.1: 29 of 1,614,068 alleles (0.0018%); highest among the groups gnomAD compares: Non-Finnish European, 0.0025%; no homozygotes.

Submission:

Labcorp Genetics (formerly Invitae), Labcorp
Classification: Uncertain significance for HNSHA due to aldolase A deficiency. Last evaluated: 2022-08-12. Review status: criteria provided, single submitter. Criteria: Invitae Variant Classification Sherloc (09022015). Collection method: clinical testing. Allele origin: germline.
Comment: In summary, the available evidence is currently insufficient to determine the role of this variant in disease. Therefore, it has been classified as a Variant of Uncertain Significance. Algorithms developed to predict the effect of missense changes on protein structure and function (SIFT, PolyPhen-2, Align-GVGD) all suggest that this variant is likely to be disruptive. This variant has not been reported in the literature in individuals affected with ALDOA-related conditions. This variant is present in population databases (rs753336912, gnomAD 0.0009%). This sequence change replaces glycine, which is neutral and non-polar, with glutamic acid, which is acidic and polar, at codon 118 of the ALDOA protein (p.Gly118Glu).